The following is an entry in ClinVar:

NM_001845.6(COL4A1):c.3810T>A (p.Asn1270Lys)

Gene: COL4A1 (collagen type IV alpha 1 chain; minus strand). Cytogenetic location: 13q34.
Variant type: single nucleotide variant.
Coding change: c.3810T>A on transcript NM_001845.6 (MANE Select); coding-DNA position 3810, T replaced by A.
Protein change: p.Asn1270Lys; replaces asparagine 1270 with lysine.
Molecular consequence: missense variant.
Genome position (GRCh38, 1-based): chr13:110,169,695, A>T on the plus strand (T>A on the coding strand, the complement: COL4A1 is on the minus strand). VCF-style: chr13-110169695-A-T. GRCh37 (hg19) VCF-style: chr13-110822042-A-T.
Other names: short protein forms N1270K.
Identifiers: ClinVar variation 2861807 (VCV002861807.3), dbSNP rs2501757720, ClinGen allele CA388661816.
Genomic context (GRCh38, chr13:110,169,695, plus strand): 5'-GCCCTGGAATCCAGGGTCTCCCTTGGGCCCTGGGACACCGGGTGCTCCTGGCCAGCCTGG[A>T]TTTCCTTTGTCACCTTTAACTCCATCAATCCCAGGAAGCCCTGGAGGCCCCATGGGTCCC-3'
Protein context (NP_001836.3, residues 1260-1280): GIDGVKGDKG[Asn1270Lys]PGWPGAPGVP

ClinVar aggregate classification (germline): Uncertain significance (1 of 4 stars; one submission).

gnomAD v4.1: 1 of 1,614,070 alleles (0.000062%); no homozygotes.

Submission:

Labcorp Genetics (formerly Invitae), Labcorp
Classification: Uncertain significance. Last evaluated: 2023-10-27. Review status: criteria provided, single submitter. Criteria: Invitae Variant Classification Sherloc (09022015). Collection method: clinical testing. Allele origin: germline.
Comment: This sequence change replaces asparagine, which is neutral and polar, with lysine, which is basic and polar, at codon 1270 of the COL4A1 protein (p.Asn1270Lys). This variant is not present in population databases (gnomAD no frequency). This variant has not been reported in the literature in individuals affected with COL4A1-related conditions. An algorithm developed to predict the effect of missense changes on protein structure and function (PolyPhen-2) suggests that this variant is likely to be disruptive. In summary, the available evidence is currently insufficient to determine the role of this variant in disease. Therefore, it has been classified as a Variant of Uncertain Significance.